The following is an entry in ClinVar:

ClinVar aggregate classification (germline): Uncertain significance (1 of 4 stars; one submission).

Conditions:
Inborn genetic diseases. Identifiers: MedGen C0950123, MeSH D030342.

Submission:

Ambry Genetics
Classification: Uncertain significance for Inborn genetic diseases. Last evaluated: 2024-02-02. Review status: criteria provided, single submitter. Criteria: Ambry Variant Classification Scheme 2023. Collection method: clinical testing. Allele origin: germline.
Comment: The p.K185Q variant (also known as c.553A>C), located in coding exon 5 of the MDH2 gene, results from an A to C substitution at nucleotide position 553. The lysine at codon 185 is replaced by glutamine, an amino acid with similar properties. This amino acid position is conserved. In addition, this alteration is predicted to be deleterious by in silico analysis. Based on the available evidence, the clinical significance of this alteration remains unclear.

NM_005918.4(MDH2):c.553A>C (p.Lys185Gln)

Gene: MDH2 (malate dehydrogenase 2; plus strand). Cytogenetic location: 7q11.23.
Variant type: single nucleotide variant.
Coding change: c.553A>C on transcript NM_005918.4 (MANE Select); coding-DNA position 553, A replaced by C.
Protein change: p.Lys185Gln; replaces lysine 185 with glutamine.
Molecular consequence: missense variant. On other transcripts: intron variant (1).
Genome position (GRCh38, 1-based): chr7:76,060,496, A>C. VCF-style: chr7-76060496-A-C. GRCh37 (hg19) VCF-style: chr7-75689814-A-C.
Other names: c.232A>C, p.Lys78Gln (NM_001282404.2); c.429+2418A>C (NM_001282403.2); short protein forms K185Q, K78Q.
Identifiers: ClinVar variation 3225198 (VCV003225198.1), dbSNP rs2535864040, ClinGen allele CA367765202.